The following is an entry in ClinVar:

NM_001100913.3(PACS2):c.892C>T (p.Pro298Ser)

Gene: PACS2 (phosphofurin acidic cluster sorting protein 2; plus strand). Cytogenetic location: 14q32.33.
Variant type: single nucleotide variant.
Coding change: c.892C>T on transcript NM_001100913.3 (MANE Select); coding-DNA position 892, C replaced by T.
Protein change: p.Pro298Ser; replaces proline 298 with serine.
Molecular consequence: missense variant.
Genome position (GRCh38, 1-based): chr14:105,376,858, C>T. VCF-style: chr14-105376858-C-T. GRCh37 (hg19) VCF-style: chr14-105843195-C-T.
Other names: c.667C>T, p.Pro223Ser (NM_001243127.3); c.892C>T, p.Pro298Ser (NM_015197.4); short protein forms P223S, P298S.
Identifiers: ClinVar variation 2630401 (VCV002630401.1), dbSNP rs2080800318, ClinGen allele CA391178990.

ClinVar aggregate classification (germline): Uncertain significance (1 of 4 stars; one submission).

Conditions:
PACS2-related disorder. Also called: PACS2-related condition.

Allele frequency attached by ClinVar (database versions not stated): TOPMed below 0.00001; gnomAD 0.00001.
gnomAD v4.1: 1 of 1,613,066 alleles (0.000062%); highest among the groups gnomAD compares: Non-Finnish European, 0.000085%; no homozygotes.

Submission:

PreventionGenetics, part of Exact Sciences
Classification: Uncertain significance for PACS2-related condition. Last evaluated: 2023-03-03. Review status: criteria provided, single submitter. Criteria: ACMG Guidelines, 2015. Collection method: clinical testing. Allele origin: germline.
Comment: The PACS2 c.892C>T variant is predicted to result in the amino acid substitution p.Pro298Ser. To our knowledge, this variant has not been reported in the literature or in a large population database, indicating this variant is rare. At this time, the clinical significance of this variant is uncertain due to the absence of conclusive functional and genetic evidence.